The following is an entry in ClinVar:

ClinVar aggregate classification (germline): Uncertain significance (0 of 4 stars; one submission).

Conditions:
Marfan syndrome (MFS). Also called: MARFAN SYNDROME, TYPE I; Marfan syndrome type 1; Marfan's syndrome; FBN1-Related Marfan Syndrome; Marfan syndrome, classic. Identifiers: Orphanet 284963, Orphanet 558, MedGen C0024796, MONDO:0007947, OMIM 154700.

Submission:

Department of Laboratory Medicine and Genetics, Samsung Medical Center
Classification: Uncertain significance for Marfan syndrome. Last evaluated: 2025-01-02. Review status: no assertion criteria provided. Collection method: clinical testing. Allele origin: germline.
Comment: The NM_000138.5:c.4345G>A is considered to be rare in the general population database (gnomAD v2.1.1). This variant is predicted to be deleterious by in-silico analysis (REVEL). This variant is located in functional domains. In summary, the available evidence is currently insufficient to evaluate the pathogenicity of this variant, resulting its classification as a variant of uncertain significance (PM1, PP2, PP3, PM2_P).

Literature cited by the submitters: PubMed 37558401.

NM_000138.5(FBN1):c.4345G>A (p.Glu1449Lys)

Gene: FBN1 (fibrillin 1; minus strand). Cytogenetic location: 15q21.1.
Variant type: single nucleotide variant.
Coding change: c.4345G>A on transcript NM_000138.5 (MANE Select); coding-DNA position 4345, G replaced by A.
Protein change: p.Glu1449Lys; replaces glutamic acid 1449 with lysine.
Molecular consequence: missense variant.
Genome position (GRCh38, 1-based): chr15:48,470,748, C>T on the plus strand (G>A on the coding strand, the complement: FBN1 is on the minus strand). VCF-style: chr15-48470748-C-T. GRCh37 (hg19) VCF-style: chr15-48762945-C-T.
Other names: c.4345G>A, p.Glu1449Lys (NM_001406716.1); short protein forms E1449K.
Identifiers: ClinVar variation 3600239 (VCV003600239.1).